The following is an entry in ClinVar:

NM_000404.4(GLB1):c.2009_2010del (p.Lys670fs)

Gene: GLB1 (galactosidase beta 1; minus strand). Cytogenetic location: 3p22.3.
Variant type: Deletion.
Coding change: c.2009_2010del on transcript NM_000404.4 (MANE Select); coding-DNA positions 2009 to 2010, 2 bases deleted (AA; older notation c.2009_2010delAA).
Protein change: p.Lys670fs; shifts the reading frame from lysine 670.
Molecular consequence: frameshift variant. On other transcripts: intron variant (1).
Genome position (GRCh38, 1-based): chr3:32,997,069-32,997,070, TT deleted on the plus strand (AA on the coding strand, the reverse complement: GLB1 is on the minus strand); deleting any 2 consecutive bases within chr3:32,997,069-32,997,071 gives the same sequence; the c. name uses the placement nearest the transcript's 3' end. VCF-style (leftmost placement, unchanged base first): chr3-32997068-CTT-C. GRCh37 (hg19) VCF-style: chr3-33038560-CTT-C.
Other names: c.1919_1920del, p.Lys640fs (NM_001079811.3); c.1616_1617del, p.Lys539fs (NM_001135602.3); c.2153_2154del, p.Lys718fs (NM_001317040.2); c.1734+16986_1734+16987del (NM_001393580.1); c.2009_2010delAA (NM_000404.4); short protein forms K539fs, K640fs, K718fs, K670fs.
Identifiers: ClinVar variation 1961404 (VCV001961404.9), dbSNP rs1165249729, ClinGen allele CA2580069235.

ClinVar aggregate classification (germline): Conflicting classifications of pathogenicity. Review status: criteria provided, conflicting classifications (1 of 4 stars). 3 submissions from 3 submitters: Likely pathogenic (2); Uncertain significance (1). Last evaluated 2026-04-28.

Conditions:
Mucopolysaccharidosis, MPS-IV-B (MPS4B). Also called: MORQUIO SYNDROME B; MPS IVB; Mucopolysaccharidosis type IV B; Mucopolysaccharidosis Type IVB; Mucopolysaccharidosis type 4B; Mucopolysaccharidosis Type IVB (Morquio B Disease). Identifiers: Orphanet 309310, Orphanet 582, MedGen C0086652, MONDO:0009660, OMIM 253010.
GM1 gangliosidosis. Identifiers: Orphanet 354, MedGen C0085131, MONDO:0018149.

Submissions (3):

Dasa
Classification: Likely pathogenic. Last evaluated: 2026-04-28. Review status: criteria provided, single submitter. Criteria: DASA Assertion Criteria. Collection method: clinical testing. Allele origin: germline.
Comment: NM_000404.4(GLB1):c.2009_2010del (p.Lys670Argfs*51) is a frameshift variant in GLB1 predicted to alter the reading frame and introduce a premature termination codon and is predicted to result in an absent or altered protein product. Loss of function is an established disease mechanism for GLB1-associated disorders. This variant has been observed in affected individuals with GLB1-related disorders. Also, this variant is absent from population databases. Based on the currently available evidence, this variant is classified as likely pathogenic.

Women's Health and Genetics/Laboratory Corporation of America, LabCorp
Classification: Uncertain significance. Last evaluated: 2025-07-25. Review status: criteria provided, single submitter. Criteria: LabCorp Variant Classification Summary - May 2015. Collection method: clinical testing. Allele origin: germline.
Comment: Variant summary: GLB1 c.2009_2010delAA (p.Lys670ArgfsX51) causes a frameshift which results in an extension of the protein. The variant was absent in 249478 control chromosomes (gnomAD). The available data on variant occurrences in the general population are insufficient to allow any conclusion about variant significance. c.2009_2010delAA has been observed in at least one individual affected with Mucopolysaccharidosis Type IVB (Morquio Syndrome B) (internal data). These data do not allow any conclusion about variant significance. To our knowledge, no experimental evidence demonstrating an impact on protein function has been reported. ClinVar contains an entry for this variant (Variation ID: 1961404). Based on the evidence outlined above, the variant was classified as uncertain significance.

Labcorp Genetics (formerly Invitae), Labcorp
Classification: Likely pathogenic for Mucopolysaccharidosis, MPS-IV-B; GM1 gangliosidosis. Last evaluated: 2024-01-28. Review status: criteria provided, single submitter. Criteria: Invitae Variant Classification Sherloc (09022015). Collection method: clinical testing. Allele origin: germline.
Comment: This sequence change results in a frameshift in the GLB1 gene (p.Lys670Argfs*51). While this is not anticipated to result in nonsense mediated decay, it is expected to disrupt the last 8 amino acid(s) of the GLB1 protein and extend the protein by 42 additional amino acid residues. This variant is not present in population databases (gnomAD no frequency). This frameshift has been observed in individual(s) with clinical features of GM1-gangliosidosis (Invitae). In at least one individual the data is consistent with being in trans (on the opposite chromosome) from a pathogenic variant. ClinVar contains an entry for this variant (Variation ID: 1961404). This variant disrupts a region of the GLB1 protein in which other variant(s) (p.Val677Gly) have been observed in individuals with GLB1-related conditions (PMID: 33558080). This suggests that this is a clinically significant region of the protein, and that variants that disrupt it are likely to be disease-causing. In summary, the currently available evidence indicates that the variant is pathogenic, but additional data are needed to prove that conclusively. Therefore, this variant has been classified as Likely Pathogenic.

Literature cited by the submitters: PubMed 33558080 (cited by Labcorp Genetics (formerly Invitae), Labcorp).